The following is an entry in ClinVar:

ClinVar aggregate classification (germline): Pathogenic (1 of 4 stars; one submission).

Submission:

Labcorp Genetics (formerly Invitae), Labcorp
Classification: Pathogenic. Last evaluated: 2024-05-21. Review status: criteria provided, single submitter. Criteria: Invitae Variant Classification Sherloc (09022015). Collection method: clinical testing. Allele origin: germline.
Comment: This sequence change creates a premature translational stop signal (p.Val70Argfs*3) in the TBCK gene. It is expected to result in an absent or disrupted protein product. Loss-of-function variants in TBCK are known to be pathogenic (PMID: 27040692, 30103036). This variant is not present in population databases (gnomAD no frequency). This variant has not been reported in the literature in individuals affected with TBCK-related conditions. For these reasons, this variant has been classified as Pathogenic.

Literature cited by the submitters: PubMed 27040692; PubMed 30103036.

NM_001163435.3(TBCK):c.207dup (p.Val70fs)

Gene: TBCK (TBC1 domain containing kinase; minus strand). Cytogenetic location: 4q24.
Variant type: Duplication.
Coding change: c.207dup on transcript NM_001163435.3 (MANE Select); coding-DNA position 207, one base duplicated (C; older notation c.207dupC).
Protein change: p.Val70fs; shifts the reading frame from valine 70.
Molecular consequence: frameshift variant. On other transcripts: 5 prime UTR variant (1).
Genome position (GRCh38, 1-based): chr4:106,295,153, G duplicated on the plus strand (C on the coding strand, the reverse complement: TBCK is on the minus strand). VCF-style (leftmost placement, unchanged base first): chr4-106295152-C-CG. GRCh37 (hg19) VCF-style: chr4-107216309-C-CG.
Other names: c.207dup, p.Val70fs (NM_001163436.4, NM_001163437.3, NM_033115.5); c.-411dup (NM_001290768.2); short protein forms V70fs.
Identifiers: ClinVar variation 3653992 (VCV003653992.2).